The following is an entry in ClinVar:

ClinVar aggregate classification (germline): Pathogenic/Likely pathogenic. Review status: criteria provided, multiple submitters, no conflicts (2 of 4 stars). 5 submissions from 5 submitters: Pathogenic (2); Likely pathogenic (3). Last evaluated 2025-12-11.

Conditions:
Lamb-Shaffer syndrome. Identifiers: Orphanet 313884, Orphanet 313892, Orphanet 530983, MedGen C4225202, MONDO:0014778, OMIM 616803.

Submissions (5):

3billion
Classification: Pathogenic for Lamb-Shaffer syndrome. Last evaluated: 2025-12-11. Review status: criteria provided, single submitter. Criteria: ACMG Guidelines, 2015. Collection method: clinical testing. Allele origin: germline. Affected: yes.
Comment: The variant is not observed in the gnomAD v4.1.0 dataset. Predicted Consequence/Location: Missense variant In silico tool predictions suggest damaging effect of the variant on gene or gene product [REVEL: 0.93 (>=0.6, sensitivity 0.68 and specificity 0.92); 3Cnet: 0.99 (> 0.75, sensitivity 0.96 and precision 0.92)]. The same nucleotide change resulting in the same amino acid change has been previously reported as pathogenic/likely pathogenic with strong evidence (ClinVar ID: VCV000806852 /PMID: 33296143). The variant has been previously reported as de novo in a similarly affected individual (PMID: 33296143). A different missense change at the same codon (p.Arg558His) has been reported as pathogenic/likely pathogenic with strong evidence (ClinVar ID: VCV000973345 /PMID: 33767182). Therefore, this variant is classified as Pathogenic according to the recommendation of ACMG/AMP guideline.

GeneDx
Classification: Pathogenic. Last evaluated: 2024-09-30. Review status: criteria provided, single submitter. Criteria: GeneDx Variant Classification Process June 2021. Collection method: clinical testing. Allele origin: germline. Affected: yes.
Comment: In silico analysis supports that this missense variant has a deleterious effect on protein structure/function; Not observed at significant frequency in large population cohorts (gnomAD); This variant is associated with the following publications: (PMID: 33296143, 33767182)

Institute of Medical Genetics and Applied Genomics, University Hospital Tübingen
Classification: Likely pathogenic for Lamb-Shaffer syndrome. Last evaluated: 2023-06-02. Review status: criteria provided, single submitter. Criteria: ACMG Guidelines, 2015. Collection method: clinical testing. Allele origin: germline. Inheritance: Autosomal dominant inheritance. Affected: yes.

Pittsburgh Clinical Genomics Laboratory, University of Pittsburgh Medical Center
Classification: Likely pathogenic for Lamb-Shaffer syndrome. Last evaluated: 2023-01-06. Review status: criteria provided, single submitter. Criteria: ACMG Guidelines, 2015. Collection method: clinical testing. Allele origin: germline. Inheritance: Autosomal dominant inheritance. Affected: yes.
Comment: This sequence variant is a single nucleotide substitution (C>T) at coding position 1672 of the SOX5 gene that results in an arginine to cysteine amino acid change at residue 558 of the SOX5 protein. The Arg558 residue falls in the HMG domain which plays a critical role in SOX5-mediated transactivation (PMID: 31578471). This is a previously reported variant (ClinVar) that has been observed in an individual with Lamb-Shaffer syndrome (PMID: 33296143). This variant is absent from the gnomAD population database (0 of approximately 250,000 alleles). Multiple bioinformatic tools predict that this arginine to cysteine amino acid change would be damaging, and the Arg558 residue is strongly conserved across the vertebrate species examined. Studies examining the functiol consequence of this variant have not been published, to our knowledge. At this time, we consider this a likely pathogenic variant. ACMG Criteria: PM1, PM2, PP3, PS2

CeGaT Center for Human Genetics Tuebingen
Classification: Likely pathogenic. Last evaluated: 2019-08-01. Review status: criteria provided, single submitter. Criteria: CeGaT Center For Human Genetics Tuebingen Variant Classification Criteria Version 2. Collection method: clinical testing. Allele origin: germline. Affected: yes. Observed: 5 variant alleles.

Literature cited by the submitters: PubMed 33767182 (cited by 3billion); PubMed 33296143 (cited by 3billion and Pittsburgh Clinical Genomics Laboratory, University of Pittsburgh Medical Center); PubMed 31578471 (cited by Pittsburgh Clinical Genomics Laboratory, University of Pittsburgh Medical Center).

NM_006940.6(SOX5):c.1672C>T (p.Arg558Cys)

Gene: SOX5 (SRY-box transcription factor 5; minus strand). Cytogenetic location: 12p12.1.
Variant type: single nucleotide variant.
Coding change: c.1672C>T on transcript NM_006940.6 (MANE Select); coding-DNA position 1672, C replaced by T.
Protein change: p.Arg558Cys; replaces arginine 558 with cysteine.
Molecular consequence: missense variant.
Genome position (GRCh38, 1-based): chr12:23,543,310, G>A on the plus strand (C>T on the coding strand, the complement: SOX5 is on the minus strand). VCF-style: chr12-23543310-G-A. GRCh37 (hg19) VCF-style: chr12-23696244-G-A.
Other names: c.1672C>T (NM_006940.4); c.1309C>T, p.Arg437Cys (NM_001261414.3); c.1642C>T, p.Arg548Cys (NM_001261415.3); c.1567C>T, p.Arg523Cys (NM_001330785.2); c.1633C>T, p.Arg545Cys (NM_152989.5); c.514C>T, p.Arg172Cys (NM_178010.4); short protein forms R523C, R548C, R558C, R172C, R437C, R545C.
Identifiers: ClinVar variation 806852 (VCV000806852.45), dbSNP rs1591908680, ClinGen allele CA384319912.